The following is an entry in ClinVar:

ClinVar aggregate classification (germline): Conflicting classifications of pathogenicity. Review status: criteria provided, conflicting classifications (1 of 4 stars). 3 submissions from 3 submitters: Uncertain significance (1); Likely benign (1). 1 of the submissions does not count toward it. Last evaluated 2025-07-09.

Conditions:
TDRD7-related disorder. Also called: TDRD7-related condition.
Cataract 36. Identifiers: MedGen C3151304, MONDO:0013484, OMIM 613887.
Inborn genetic diseases. Identifiers: MedGen C0950123, MeSH D030342.

Allele frequency attached by ClinVar (database versions not stated): gnomAD exomes 0.00020; 1000 Genomes Project 0.00300; ExAC 0.00049; gnomAD 0.00154; TOPMed 0.00165; ESP Exome Variant Server 0.00169; 1000 Genomes Project 30x 0.00344.
gnomAD v4.1: 526 of 1,613,876 alleles (0.033%); highest among the groups gnomAD compares: African/African-American, 0.59%; 1 homozygote.

Submissions (3):

Labcorp Genetics (formerly Invitae), Labcorp
Classification: Likely benign for Cataract 36. Last evaluated: 2025-07-09. Review status: criteria provided, single submitter. Criteria: Invitae Variant Classification Sherloc (09022015). Collection method: clinical testing. Allele origin: germline.

Ambry Genetics
Classification: Uncertain significance for Inborn genetic diseases. Last evaluated: 2021-08-09. Review status: criteria provided, single submitter. Criteria: Ambry Variant Classification Scheme 2023. Collection method: clinical testing. Allele origin: germline.

PreventionGenetics, part of Exact Sciences
Classification: Likely benign for TDRD7-related condition. Last evaluated: 2020-05-04. Review status: no assertion criteria provided. Collection method: clinical testing. Allele origin: germline. Not counted in ClinVar's aggregate classification.
Comment: This variant is classified as likely benign based on ACMG/AMP sequence variant interpretation guidelines (Richards et al. 2015 PMID: 25741868, with internal and published modifications).

NM_014290.3(TDRD7):c.437A>G (p.Lys146Arg)

Gene: TDRD7 (tudor domain containing 7; plus strand). Cytogenetic location: 9q22.33.
Variant type: single nucleotide variant.
Coding change: c.437A>G on transcript NM_014290.3 (MANE Select); coding-DNA position 437, A replaced by G.
Protein change: p.Lys146Arg; replaces lysine 146 with arginine.
Molecular consequence: missense variant.
Genome position (GRCh38, 1-based): chr9:97,432,112, A>G. VCF-style: chr9-97432112-A-G. GRCh37 (hg19) VCF-style: chr9-100194394-A-G.
Other names: c.215A>G, p.Lys72Arg (NM_001302884.2); short protein forms K146R, K72R.
Identifiers: ClinVar variation 3051311 (VCV003051311.4), dbSNP rs139696600, ClinGen allele CA5146446.